The following is an entry in ClinVar:

ClinVar aggregate classification (germline): Benign/Likely benign. Review status: criteria provided, multiple submitters, no conflicts (2 of 4 stars). 5 submissions from 5 submitters: Benign (1); Likely benign (3). 1 of the submissions does not count toward it. Last evaluated 2026-01-13.

Conditions:
Primary dilated cardiomyopathy (DCM). Also called: Dilated Cardiomyopathy. Identifiers: Orphanet 217604, MedGen C0007193, MeSH D002311, MONDO:0005021, HP:0001644. Inheritance: Various modes of inheritance.
Cardiovascular phenotype. Identifiers: MedGen CN230736.
TXNRD2-related disorder. Also called: TXNRD2-related condition.

Allele frequency attached by ClinVar (database versions not stated): ESP Exome Variant Server 0.00008; 1000 Genomes Project 30x 0.00016; 1000 Genomes Project 0.00020; gnomAD 0.00045 and 0.00048; TOPMed 0.00047; ExAC 0.00074; gnomAD exomes 0.00081.
gnomAD v4.1: 727 of 1,610,810 alleles (0.045%); highest among the groups gnomAD compares: South Asian, 0.35%; 5 homozygotes.

Submissions (5):

Labcorp Genetics (formerly Invitae), Labcorp
Classification: Benign for Primary dilated cardiomyopathy. Last evaluated: 2026-01-13. Review status: criteria provided, single submitter. Criteria: Invitae Variant Classification Sherloc (09022015). Collection method: clinical testing. Allele origin: germline.

CeGaT Center for Human Genetics Tuebingen
Classification: Likely benign. Last evaluated: 2022-11-01. Review status: criteria provided, single submitter. Criteria: CeGaT Center For Human Genetics Tuebingen Variant Classification Criteria Version 2. Collection method: clinical testing. Allele origin: germline. Affected: yes. Observed: 2 variant alleles.
Comment: TXNRD2: BP4, BP7

GeneDx
Classification: Likely benign. Last evaluated: 2020-10-29. Review status: criteria provided, single submitter. Criteria: GeneDx Variant Classification Process June 2021. Collection method: clinical testing. Allele origin: germline. Affected: yes.

Ambry Genetics
Classification: Likely benign for Cardiovascular phenotype. Last evaluated: 2018-12-20. Review status: criteria provided, single submitter. Criteria: Ambry Variant Classification Scheme 2023. Collection method: clinical testing. Allele origin: germline.

PreventionGenetics, part of Exact Sciences
Classification: Likely benign for TXNRD2-related condition. Last evaluated: 2024-05-02. Review status: no assertion criteria provided. Collection method: clinical testing. Allele origin: germline. Not counted in ClinVar's aggregate classification.
Comment: This variant is classified as likely benign based on ACMG/AMP sequence variant interpretation guidelines (Richards et al. 2015 PMID: 25741868, with internal and published modifications).

NM_006440.5(TXNRD2):c.1509G>A (p.Glu503=)

Gene: TXNRD2 (thioredoxin reductase 2; minus strand). Cytogenetic location: 22q11.21.
Variant type: single nucleotide variant.
Coding change: c.1509G>A on transcript NM_006440.5 (MANE Select); coding-DNA position 1509, G replaced by A.
Protein change: p.Glu503=; no amino-acid change (glutamic acid 503 retained).
Molecular consequence: synonymous variant. On other transcripts: non-coding transcript variant (1).
Genome position (GRCh38, 1-based): chr22:19,877,171, C>T on the plus strand (G>A on the coding strand, the complement: TXNRD2 is on the minus strand). VCF-style: chr22-19877171-C-T. GRCh37 (hg19) VCF-style: chr22-19864694-C-T.
Other names: c.1506G>A, p.Glu502= (NM_001352300.2); c.1419G>A, p.Glu473= (NM_001352301.2); c.1221G>A, p.Glu407= (NM_001352302.2).
Identifiers: ClinVar variation 389754 (VCV000389754.76), dbSNP rs200619889, ClinGen allele CA10103608.
Genomic context (GRCh38, chr22:19,877,171, plus strand): 5'-TCAGCAGCCTGTCACCGTGGGGTCCAGGCCTGAGCGCTTGGAGATGCGCAGCTTGACTAC[C>T]TCCTCAGAGCATGTGGGATGGATACCCACGGTCCGCATCACCTGCGCATAGGAAGCCCCA-3'
Protein context (NP_006431.2, residues 493-513): TVGIHPTCSE[Glu503=]VVKLRISKRS